The following is an entry in ClinVar:

ClinVar aggregate classification (germline): Uncertain significance (1 of 4 stars; one submission).

Conditions:
Hereditary cancer-predisposing syndrome. Also called: Hereditary Cancer Syndrome; Neoplastic Syndromes, Hereditary; Tumor predisposition; Hereditary neoplastic syndrome. Identifiers: Orphanet 140162, MedGen C0027672, MeSH D009386, MONDO:0015356.

Submission:

Ambry Genetics
Classification: Uncertain significance for Hereditary cancer-predisposing syndrome. Last evaluated: 2021-06-13. Review status: criteria provided, single submitter. Criteria: Ambry Variant Classification Scheme 2023. Collection method: clinical testing. Allele origin: germline.
Comment: The p.T174P variant (also known as c.520A>C), located in coding exon 3 of the RAD51C gene, results from an A to C substitution at nucleotide position 520. The threonine at codon 174 is replaced by proline, an amino acid with highly similar properties. This amino acid position is conserved. In addition, the in silico prediction for this alteration is inconclusive. Since supporting evidence is limited at this time, the clinical significance of this alteration remains unclear.

NM_058216.3(RAD51C):c.520A>C (p.Thr174Pro)

Gene: RAD51C (RAD51 paralog C; plus strand). Cytogenetic location: 17q22.
Variant type: single nucleotide variant.
Coding change: c.520A>C on transcript NM_058216.3 (MANE Select); coding-DNA position 520, A replaced by C.
Protein change: p.Thr174Pro; replaces threonine 174 with proline.
Molecular consequence: missense variant.
Genome position (GRCh38, 1-based): chr17:58,696,808, A>C. VCF-style: chr17-58696808-A-C. GRCh37 (hg19) VCF-style: chr17-56774169-A-C.
Other names: short protein forms T174P.
Identifiers: ClinVar variation 1746079 (VCV001746079.2), dbSNP rs864622278, ClinGen allele CA400345104.
Genomic context (GRCh38, chr17:58,696,808, plus strand): 5'-GAAGCAGTTTTTATTGATACAGAGGGAAGTTTTATGGTTGATAGAGTGGTAGACCTTGCT[A>C]CTGCCTGCATTCAGCACCTTCAGCTTATAGCAGAAAAACACAAGGGAGAGGGTAAGTTAG-3'
Protein context (NP_478123.1, residues 164-184): FMVDRVVDLA[Thr174Pro]ACIQHLQLIA